The following is an entry in ClinVar:

ClinVar aggregate classification (germline): Pathogenic. Review status: criteria provided, single submitter (1 of 4 stars). 2 submissions from 2 submitters: Pathogenic (1). 1 of the submissions does not count toward it. Last evaluated 2017-06-26.

Conditions:
Nephronophthisis 11 (NPHP11). Identifiers: Orphanet 84081, MedGen C3150796, MONDO:0013302, OMIM 613550.
Joubert syndrome 6 (JBTS6). Identifiers: Orphanet 475, MedGen C1853153, MONDO:0012539, OMIM 610688.

gnomAD v4.1: 1 of 1,610,666 alleles (0.000062%); highest among the groups gnomAD compares: Non-Finnish European, 0.000085%; no homozygotes.

Submissions (2):

Broad Center for Mendelian Genomics, Broad Institute of MIT and Harvard
Classification: Pathogenic for Joubert syndrome 6. Last evaluated: 2017-06-26. Review status: criteria provided, single submitter. Criteria: ACMG Guidelines, 2015. Collection method: research. Allele origin: germline. Inheritance: Autosomal recessive inheritance. Affected: yes. Observed: 1 variant allele. Study: Broad Institute Center for Mendelian Genomics (CMG).
Comment: PS1: 1 Turkish consanguineous family with 3 affected sibs homozygous for this missense variant. See OMIM entry for details. PM2: Not present in gnomAD - good coverage (60X coverage in exomes and 30X in genomes). PM5: 2 patients reported in 1 article (PMID: 19508969) with different missense variant at this position. PP1_supporting: 1 family, segregation in 3 affected for AR condition.

OMIM
Classification: Pathogenic for NEPHRONOPHTHISIS 11. Last evaluated: 2009-10-01. Review status: no assertion criteria provided. Collection method: literature only. Allele origin: germline. Not counted in ClinVar's aggregate classification.

Literature cited by the submitters: PubMed 19508969 (cited by Broad Center for Mendelian Genomics, Broad Institute of MIT and Harvard and OMIM).

NM_153704.6(TMEM67):c.2461G>A (p.Gly821Ser)

Gene: TMEM67 (transmembrane protein 67; plus strand). Cytogenetic location: 8q22.1.
Variant type: single nucleotide variant.
Coding change: c.2461G>A on transcript NM_153704.6 (MANE Select); coding-DNA position 2461, G replaced by A.
Protein change: p.Gly821Ser; replaces glycine 821 with serine.
Molecular consequence: missense variant. On other transcripts: non-coding transcript variant (1).
Genome position (GRCh38, 1-based): chr8:93,808,861, G>A. VCF-style: chr8-93808861-G-A. GRCh37 (hg19) VCF-style: chr8-94821089-G-A.
Other names: c.2218G>A, p.Gly740Ser (NM_001142301.1); short protein forms G821S, G740S.
Identifiers: ClinVar variation 1382 (VCV000001382.1), dbSNP rs267607116, ClinGen allele CA114973.